The following is an entry in ClinVar:

NM_000059.4(BRCA2):c.8203C>G (p.Pro2735Ala)

Gene: BRCA2 (BRCA2 DNA repair associated; plus strand). Cytogenetic location: 13q13.1.
Variant type: single nucleotide variant.
Coding change: c.8203C>G on transcript NM_000059.4 (MANE Select); coding-DNA position 8203, C replaced by G.
Protein change: p.Pro2735Ala; replaces proline 2735 with alanine.
Molecular consequence: missense variant.
Genome position (GRCh38, 1-based): chr13:32,363,405, C>G. VCF-style: chr13-32363405-C-G. GRCh37 (hg19) VCF-style: chr13-32937542-C-G.
Other names: c.8107C>G, p.Pro2703Ala (NM_001406719.1); c.8203C>G, p.Pro2735Ala (NM_001406720.1); c.3271C>G, p.Pro1091Ala (NM_001406721.1); c.1786C>G, p.Pro596Ala (NM_001406722.1); short protein forms P596A, P1091A, P2703A, P2735A.
Identifiers: ClinVar variation 2120339 (VCV002120339.4), dbSNP rs1247198934, ClinGen allele CA387749743.
Genomic context (GRCh38, chr13:32,363,405, plus strand): 5'-AAAGTGGCCATTATTGAACTTACAGATGGGTGGTATGCTGTTAAGGCCCAGTTAGATCCT[C>G]CCCTCTTAGCTGTCTTAAAGAATGGCAGACTGACAGTTGGTCAGAAGATTATTCTTCATG-3'
Protein context (NP_000050.3, residues 2725-2745): WYAVKAQLDP[Pro2735Ala]LLAVLKNGRL

ClinVar aggregate classification (germline): Uncertain significance (1 of 4 stars; one submission).

Conditions:
Hereditary breast ovarian cancer syndrome. Also called: Hereditary breast and ovarian cancer syndrome (HBOC); Hereditary breast and/or ovarian cancer syndrome; Hereditary breast and ovarian cancer; BRCA1- and BRCA2-Associated Hereditary Breast and Ovarian Cancer; Breast and ovarian cancer; Hereditary breast and ovarian cancer syndrome. Identifiers: Orphanet 145, MedGen C0677776, MeSH D061325, MONDO:0003582. Disease mechanism: loss of function.

Submission:

Labcorp Genetics (formerly Invitae), Labcorp
Classification: Uncertain significance for Hereditary breast ovarian cancer syndrome. Last evaluated: 2022-05-12. Review status: criteria provided, single submitter. Criteria: Invitae Variant Classification Sherloc (09022015). Collection method: clinical testing. Allele origin: germline.
Comment: In summary, the available evidence is currently insufficient to determine the role of this variant in disease. Therefore, it has been classified as a Variant of Uncertain Significance. Advanced modeling of protein sequence and biophysical properties (such as structural, functional, and spatial information, amino acid conservation, physicochemical variation, residue mobility, and thermodynamic stability) performed at Invitae indicates that this missense variant is not expected to disrupt BRCA2 protein function. This variant has not been reported in the literature in individuals affected with BRCA2-related conditions. This variant is not present in population databases (gnomAD no frequency). This sequence change replaces proline, which is neutral and non-polar, with alanine, which is neutral and non-polar, at codon 2735 of the BRCA2 protein (p.Pro2735Ala).